The following is an entry in ClinVar:

ClinVar aggregate classification (germline): Conflicting classifications of pathogenicity. Review status: criteria provided, conflicting classifications (1 of 4 stars). 3 submissions from 3 submitters: Uncertain significance (2); Likely benign (1). Last evaluated 2025-08-12.

Conditions:
Cardiovascular phenotype. Identifiers: MedGen CN230736.
Hypertrophic cardiomyopathy 26. Also called: Cardiomyopathy, familial hypertrophic, 26. Identifiers: Orphanet 75249, MedGen C4310749, MONDO:0014883, OMIM 617047.
Distal myopathy with posterior leg and anterior hand involvement. Also called: WILLIAMS DISTAL MYOPATHY. Identifiers: Orphanet 63273, MedGen C3279722, MONDO:0013550, OMIM 614065.
Myofibrillar myopathy 5. Also called: FILAMINOPATHY, AUTOSOMAL DOMINANT; Filaminopathy (type). Identifiers: Orphanet 171445, MedGen C1836050, MONDO:0012289, OMIM 609524.

Allele frequency attached by ClinVar (database versions not stated): gnomAD 0.00002.
gnomAD v4.1: 6 of 1,614,036 alleles (0.00037%); highest among the groups gnomAD compares: African/African-American, 0.0067%; no homozygotes.

Submissions (3):

GeneDx
Classification: Uncertain significance. Last evaluated: 2025-08-12. Review status: criteria provided, single submitter. Criteria: GeneDx Variant Classification Process June 2021. Collection method: clinical testing. Allele origin: germline. Affected: yes.
Comment: Not observed at significant frequency in large population cohorts (gnomAD); In silico analysis supports that this missense variant has a deleterious effect on protein structure/function; Has not been previously published as pathogenic or benign to our knowledge

Ambry Genetics
Classification: Uncertain significance for Cardiovascular phenotype. Last evaluated: 2022-09-02. Review status: criteria provided, single submitter. Criteria: Ambry Variant Classification Scheme 2023. Collection method: clinical testing. Allele origin: germline.
Comment: The p.I1387F variant (also known as c.4159A>T), located in coding exon 24 of the FLNC gene, results from an A to T substitution at nucleotide position 4159. The isoleucine at codon 1387 is replaced by phenylalanine, an amino acid with highly similar properties. This amino acid position is well conserved in available vertebrate species. In addition, the in silico prediction for this alteration is inconclusive. Since supporting evidence is limited at this time, the clinical significance of this alteration remains unclear.

Labcorp Genetics (formerly Invitae), Labcorp
Classification: Likely benign for Distal myopathy with posterior leg and anterior hand involvement; Myofibrillar myopathy 5; Hypertrophic cardiomyopathy 26. Last evaluated: 2022-08-09. Review status: criteria provided, single submitter. Criteria: Invitae Variant Classification Sherloc (09022015). Collection method: clinical testing. Allele origin: germline.

NM_001458.5(FLNC):c.4159A>T (p.Ile1387Phe)

Gene: FLNC (filamin C; plus strand). Cytogenetic location: 7q32.1.
Variant type: single nucleotide variant.
Coding change: c.4159A>T on transcript NM_001458.5 (MANE Select); coding-DNA position 4159, A replaced by T.
Protein change: p.Ile1387Phe; replaces isoleucine 1387 with phenylalanine.
Molecular consequence: missense variant.
Genome position (GRCh38, 1-based): chr7:128,846,776, A>T. VCF-style: chr7-128846776-A-T. GRCh37 (hg19) VCF-style: chr7-128486830-A-T.
Other names: c.4159A>T, p.Ile1387Phe (NM_001127487.2); short protein forms I1387F.
Identifiers: ClinVar variation 1015811 (VCV001015811.12), dbSNP rs1032003580, ClinGen allele CA369200439.